The following is an entry in ClinVar:

NM_001286611.2(REPS1):c.2207C>T (p.Ser736Phe)

Gene: REPS1 (RALBP1 associated Eps domain containing 1; minus strand). Cytogenetic location: 6q24.1.
Variant type: single nucleotide variant.
Coding change: c.2207C>T on transcript NM_001286611.2 (MANE Select); coding-DNA position 2207, C replaced by T.
Protein change: p.Ser736Phe; replaces serine 736 with phenylalanine.
Molecular consequence: missense variant.
Genome position (GRCh38, 1-based): chr6:138,908,677, G>A on the plus strand (C>T on the coding strand, the complement: REPS1 is on the minus strand). VCF-style: chr6-138908677-G-A. GRCh37 (hg19) VCF-style: chr6-139229814-G-A.
Other names: c.2126C>T, p.Ser709Phe (NM_001128617.3); c.1934C>T, p.Ser645Phe (NM_001286612.2); c.2204C>T, p.Ser735Phe (NM_031922.5); short protein forms S645F, S735F, S709F, S736F.
Identifiers: ClinVar variation 2357703 (VCV002357703.5), dbSNP rs200224403, ClinGen allele CA4023927.
Genomic context (GRCh38, chr6:138,908,677, plus strand): 5'-CGTGCTTTTTCTTCCTAGTAATTAAATGTGTCTAGGAATAGCTTTGATTACCTGGGAATA[G>A]AAGGTTGTGATGCAAGAACAGCAGCTAAGACACCCGTCTTTTGTGTATGTTCATCAACTT-3'
Protein context (NP_001273540.1, residues 726-746): VLAAVLASQP[Ser736Phe]IPRSVGKDKK

ClinVar aggregate classification (germline): Uncertain significance. Review status: criteria provided, multiple submitters, no conflicts (2 of 4 stars). 2 submissions from 2 submitters: Uncertain significance (2). Last evaluated 2024-09-09.

Allele frequency attached by ClinVar (database versions not stated): TOPMed 0.00017; ESP Exome Variant Server 0.00023; gnomAD 0.00013; ExAC 0.00015.
gnomAD v4.1: 344 of 1,613,988 alleles (0.021%); highest among the groups gnomAD compares: Non-Finnish European, 0.029%; no homozygotes.

Submissions (2):

Labcorp Genetics (formerly Invitae), Labcorp
Classification: Uncertain significance. Last evaluated: 2024-09-09. Review status: criteria provided, single submitter. Criteria: Invitae Variant Classification Sherloc (09022015). Collection method: clinical testing. Allele origin: germline.
Comment: This sequence change replaces serine, which is neutral and polar, with phenylalanine, which is neutral and non-polar, at codon 736 of the REPS1 protein (p.Ser736Phe). This variant is present in population databases (rs200224403, gnomAD 0.03%). This variant has not been reported in the literature in individuals affected with REPS1-related conditions. ClinVar contains an entry for this variant (Variation ID: 2357703). Invitae Evidence Modeling of protein sequence and biophysical properties (such as structural, functional, and spatial information, amino acid conservation, physicochemical variation, residue mobility, and thermodynamic stability) indicates that this missense variant is not expected to disrupt REPS1 protein function with a negative predictive value of 80%. In summary, the available evidence is currently insufficient to determine the role of this variant in disease. Therefore, it has been classified as a Variant of Uncertain Significance.

Ambry Genetics
Classification: Uncertain significance. Last evaluated: 2021-07-21. Review status: criteria provided, single submitter. Criteria: Ambry Variant Classification Scheme 2023. Collection method: clinical testing. Allele origin: germline.